The following is an entry in ClinVar:

ClinVar aggregate classification (germline): Conflicting classifications of pathogenicity. Review status: criteria provided, conflicting classifications (1 of 4 stars). 2 submissions from 2 submitters: Uncertain significance (1); Likely benign (1). Last evaluated 2023-03-23.

Conditions:
Hereditary cancer-predisposing syndrome. Also called: Hereditary neoplastic syndrome; Tumor predisposition; Neoplastic Syndromes, Hereditary; Hereditary Cancer Syndrome. Identifiers: Orphanet 140162, MedGen C0027672, MeSH D009386, MONDO:0015356.
Hereditary breast ovarian cancer syndrome. Also called: Hereditary breast and ovarian cancer; Hereditary breast and/or ovarian cancer syndrome; Breast and ovarian cancer; BRCA1- and BRCA2-Associated Hereditary Breast and Ovarian Cancer; Hereditary breast and ovarian cancer syndrome; Hereditary breast and ovarian cancer syndrome (HBOC). Identifiers: Orphanet 145, MedGen C0677776, MeSH D061325, MONDO:0003582. Disease mechanism: loss of function.

Submissions (2):

University of Washington Department of Laboratory Medicine, University of Washington
Classification: Likely benign for Hereditary cancer-predisposing syndrome. Last evaluated: 2023-03-23. Review status: criteria provided, single submitter. Criteria: Dines et al. (Genet Med. 2020). Collection method: curation. Allele origin: germline.
Comment: Missense variant in a coldspot region where missense variants are very unlikely to be pathogenic (PMID:31911673).

BRCA2 exon 11 coldspot. Reclassification based on statistical prior probability.

Labcorp Genetics (formerly Invitae), Labcorp
Classification: Uncertain significance for Hereditary breast ovarian cancer syndrome. Last evaluated: 2021-04-18. Review status: criteria provided, single submitter. Criteria: Invitae Variant Classification Sherloc (09022015). Collection method: clinical testing. Allele origin: germline.
Comment: In summary, the available evidence is currently insufficient to determine the role of this variant in disease. Therefore, it has been classified as a Variant of Uncertain Significance. Advanced modeling of protein sequence and biophysical properties (such as structural, functional, and spatial information, amino acid conservation, physicochemical variation, residue mobility, and thermodynamic stability) performed at Invitae indicates that this missense variant is not expected to disrupt BRCA2 protein function. This variant has not been reported in the literature in individuals with BRCA2-related conditions. This variant is not present in population databases (ExAC no frequency). This sequence change replaces lysine with asparagine at codon 1057 of the BRCA2 protein (p.Lys1057Asn). The lysine residue is weakly conserved and there is a moderate physicochemical difference between lysine and asparagine.

NM_000059.4(BRCA2):c.3171G>C (p.Lys1057Asn)

Gene: BRCA2 (BRCA2 DNA repair associated; plus strand). Cytogenetic location: 13q13.1.
Variant type: single nucleotide variant.
Coding change: c.3171G>C on transcript NM_000059.4 (MANE Select); coding-DNA position 3171, G replaced by C.
Protein change: p.Lys1057Asn; replaces lysine 1057 with asparagine.
Molecular consequence: missense variant.
Genome position (GRCh38, 1-based): chr13:32,337,526, G>C. VCF-style: chr13-32337526-G-C. GRCh37 (hg19) VCF-style: chr13-32911663-G-C.
Other names: short protein forms K1057N.
Identifiers: ClinVar variation 1346596 (VCV001346596.9), dbSNP rs2137493933, ClinGen allele CA387775808.